The following is an entry in ClinVar:

NM_014141.6(CNTNAP2):c.140C>T (p.Ala47Val)

Gene: CNTNAP2 (contactin associated protein 2; plus strand). Cytogenetic location: 7q35.
Variant type: single nucleotide variant.
Coding change: c.140C>T on transcript NM_014141.6 (MANE Select); coding-DNA position 140, C replaced by T.
Protein change: p.Ala47Val; replaces alanine 47 with valine.
Molecular consequence: missense variant.
Genome position (GRCh38, 1-based): chr7:146,774,313, C>T. VCF-style: chr7-146774313-C-T. GRCh37 (hg19) VCF-style: chr7-146471405-C-T.
Other names: short protein forms A47V.
Identifiers: ClinVar variation 1354107 (VCV001354107.8), dbSNP rs916375383, ClinGen allele CA168644351.

ClinVar aggregate classification (germline): Uncertain significance (1 of 4 stars; one submission).

Conditions:
Cortical dysplasia-focal epilepsy syndrome (PTHSL1). Also called: Pitt-Hopkins-like syndrome 1. Identifiers: Orphanet 163681, Orphanet 221150, MedGen C2750246, MONDO:0012400, OMIM 610042.

Allele frequency attached by ClinVar (database versions not stated): TOPMed below 0.00001.
gnomAD v4.1: 1 of 1,614,000 alleles (0.000062%); highest among the groups gnomAD compares: Non-Finnish European, 0.000085%; no homozygotes.

Submission:

Labcorp Genetics (formerly Invitae), Labcorp
Classification: Uncertain significance for Cortical dysplasia-focal epilepsy syndrome. Last evaluated: 2023-06-26. Review status: criteria provided, single submitter. Criteria: Invitae Variant Classification Sherloc (09022015). Collection method: clinical testing. Allele origin: germline.
Comment: Algorithms developed to predict the effect of missense changes on protein structure and function output the following: SIFT: "Not Available"; PolyPhen-2: "Benign"; Align-GVGD: "Not Available". The valine amino acid residue is found in multiple mammalian species, which suggests that this missense change does not adversely affect protein function. ClinVar contains an entry for this variant (Variation ID: 1354107). This variant has not been reported in the literature in individuals affected with CNTNAP2-related conditions. This variant is not present in population databases (gnomAD no frequency). This sequence change replaces alanine, which is neutral and non-polar, with valine, which is neutral and non-polar, at codon 47 of the CNTNAP2 protein (p.Ala47Val). In summary, the available evidence is currently insufficient to determine the role of this variant in disease. Therefore, it has been classified as a Variant of Uncertain Significance.